The following is an entry in ClinVar:

ClinVar aggregate classification (germline): Pathogenic (1 of 4 stars; one submission).

Submission:

Labcorp Genetics (formerly Invitae), Labcorp
Classification: Pathogenic. Last evaluated: 2023-05-24. Review status: criteria provided, single submitter. Criteria: Invitae Variant Classification Sherloc (09022015). Collection method: clinical testing. Allele origin: germline.
Comment: For these reasons, this variant has been classified as Pathogenic. This variant has not been reported in the literature in individuals affected with USH2A-related conditions. This variant is not present in population databases (gnomAD no frequency). This sequence change creates a premature translational stop signal (p.Ser2797Phefs*4) in the USH2A gene. It is expected to result in an absent or disrupted protein product. Loss-of-function variants in USH2A are known to be pathogenic (PMID: 10729113, 10909849, 20507924, 25649381).

Literature cited by the submitters: PubMed 10729113; PubMed 10909849; PubMed 20507924; PubMed 25649381.

NM_206933.4(USH2A):c.8389dup (p.Ser2797fs)

Gene: USH2A (usherin; minus strand). Cytogenetic location: 1q41.
Variant type: Duplication.
Coding change: c.8389dup on transcript NM_206933.4 (MANE Select); coding-DNA position 8389, one base duplicated (T; older notation c.8389dupT).
Protein change: p.Ser2797fs; shifts the reading frame from serine 2797.
Molecular consequence: frameshift variant.
Genome position (GRCh38, 1-based): chr1:215,878,933, A duplicated on the plus strand (T on the coding strand, the reverse complement: USH2A is on the minus strand). VCF-style (leftmost placement, unchanged base first): chr1-215878932-G-GA. GRCh37 (hg19) VCF-style: chr1-216052274-G-GA.
Other names: short protein forms S2797fs.
Identifiers: ClinVar variation 2704250 (VCV002704250.3), dbSNP rs2464717157, ClinGen allele CA2697554938.